The following is an entry in ClinVar:

NM_001852.4(COL9A2):c.1009-135C>G

Gene: COL9A2 (collagen type IX alpha 2 chain; minus strand). Cytogenetic location: 1p34.2.
Variant type: single nucleotide variant.
Coding change: c.1009-135C>G on transcript NM_001852.4 (MANE Select); 135 bases into the intron before coding-DNA position 1009, C replaced by G.
Molecular consequence: intron variant.
Genome position (GRCh38, 1-based): chr1:40,306,322, G>C on the plus strand (C>G on the coding strand, the complement: COL9A2 is on the minus strand). VCF-style: chr1-40306322-G-C. GRCh37 (hg19) VCF-style: chr1-40771994-G-C.
Identifiers: ClinVar variation 677889 (VCV000677889.2), dbSNP rs2281399, ClinGen allele CA10836806.
Genomic context (GRCh38, chr1:40,306,322, plus strand): 5'-CCCCAATCCAGATTTCCCCCACCTGTGGGAGCTGAACAACAGAAGGTCCAGCCACGGCAT[G>C]ATGAACTTAACTGTACATTCCCACAGTGGTGGCAGAGGAGTGGGGCACAGAGAATGGCCT-3'

ClinVar aggregate classification (germline): Benign. Review status: criteria provided, multiple submitters, no conflicts (2 of 4 stars). 2 submissions from 2 submitters: Benign (2). Last evaluated 2018-06-14.

Allele frequency attached by ClinVar (database versions not stated): gnomAD exomes 0.06823; gnomAD 0.10951 and 0.11026; TOPMed 0.11676; 1000 Genomes Project 30x 0.15568; 1000 Genomes Project 0.15895.
gnomAD v4.1: 69,239 of 918,010 alleles (7.5%); highest among the groups gnomAD compares: African/African-American, 23%; 4,218 homozygotes.

Submissions (2):

GeneDx
Classification: Benign. Last evaluated: 2018-06-14. Review status: criteria provided, single submitter. Criteria: GeneDx Variant Classification (06012015). Collection method: clinical testing. Allele origin: germline. Affected: yes.
Comment: This variant is considered likely benign or benign based on one or more of the following criteria: it is a conservative change, it occurs at a poorly conserved position in the protein, it is predicted to be benign by multiple in silico algorithms, and/or has population frequency not consistent with disease.

Breakthrough Genomics
Classification: Benign. Review status: criteria provided, single submitter. Criteria: ACMG Guidelines, 2015. Collection method: not provided. Allele origin: germline. Inheritance: Autosomal recessive inheritance. Affected: yes.